The following is an entry in ClinVar:

NM_001394062.1(MACF1):c.2801C>G (p.Ser934Cys)

Gene: MACF1 (microtubule actin crosslinking factor 1; plus strand). Cytogenetic location: 1p34.3.
Variant type: single nucleotide variant.
Coding change: c.2801C>G on transcript NM_001394062.1 (MANE Select); coding-DNA position 2801, C replaced by G.
Protein change: p.Ser934Cys; replaces serine 934 with cysteine.
Molecular consequence: missense variant.
Genome position (GRCh38, 1-based): chr1:39,309,581, C>G. VCF-style: chr1-39309581-C-G. GRCh37 (hg19) VCF-style: chr1-39775253-C-G.
Other names: c.2816C>G, p.Ser939Cys (NM_012090.5); short protein forms S934C, S939C.
Identifiers: ClinVar variation 1326667 (VCV001326667.3), dbSNP rs1646258523, ClinGen allele CA339776742.

ClinVar aggregate classification (germline): Uncertain significance (1 of 4 stars; one submission).

Allele frequency attached by ClinVar (database versions not stated): gnomAD 0.00001.
gnomAD v4.1: 2 of 1,614,032 alleles (0.00012%); highest among the groups gnomAD compares: South Asian, 0.0022%; no homozygotes.

Submission:

GeneDx
Classification: Uncertain significance. Last evaluated: 2024-12-03. Review status: criteria provided, single submitter. Criteria: GeneDx Variant Classification Process June 2021. Collection method: clinical testing. Allele origin: germline. Affected: yes.
Comment: Not observed at significant frequency in large population cohorts (gnomAD); In silico analysis supports that this missense variant has a deleterious effect on protein structure/function; Has not been previously published as pathogenic or benign to our knowledge; This variant is associated with the following publications: (PMID: 27535533)